The following is an entry in ClinVar:

NM_001080467.3(MYO5B):c.3635T>G (p.Leu1212Arg)

Gene: MYO5B (myosin VB; minus strand). Cytogenetic location: 18q21.1.
Variant type: single nucleotide variant.
Coding change: c.3635T>G on transcript NM_001080467.3 (MANE Select); coding-DNA position 3635, T replaced by G.
Protein change: p.Leu1212Arg; replaces leucine 1212 with arginine.
Molecular consequence: missense variant.
Genome position (GRCh38, 1-based): chr18:49,864,349, A>C on the plus strand (T>G on the coding strand, the complement: MYO5B is on the minus strand). VCF-style: chr18-49864349-A-C. GRCh37 (hg19) VCF-style: chr18-47390719-A-C.
Other names: short protein forms L1212R.
Identifiers: ClinVar variation 1489303 (VCV001489303.8), dbSNP rs1419433184, ClinGen allele CA402427824.

ClinVar aggregate classification (germline): Uncertain significance (1 of 4 stars; one submission).

Allele frequency attached by ClinVar (database versions not stated): gnomAD exomes below 0.00001; gnomAD 0.00001.
gnomAD v4.1: 3 of 1,613,812 alleles (0.00019%); highest among the groups gnomAD compares: Non-Finnish European, 0.00025%; no homozygotes.

Submission:

Labcorp Genetics (formerly Invitae), Labcorp
Classification: Uncertain significance. Last evaluated: 2020-12-29. Review status: criteria provided, single submitter. Criteria: Invitae Variant Classification Sherloc (09022015). Collection method: clinical testing. Allele origin: germline.
Comment: Algorithms developed to predict the effect of missense changes on protein structure and function are either unavailable or do not agree on the potential impact of this missense change (SIFT: "Deleterious"; PolyPhen-2: "Probably Damaging"; Align-GVGD: "Class C0"). This variant has not been reported in the literature in individuals with MYO5B-related conditions. This variant is not present in population databases (ExAC no frequency). This sequence change replaces leucine with arginine at codon 1212 of the MYO5B protein (p.Leu1212Arg). The leucine residue is highly conserved and there is a moderate physicochemical difference between leucine and arginine. In summary, the available evidence is currently insufficient to determine the role of this variant in disease. Therefore, it has been classified as a Variant of Uncertain Significance.